The following is an entry in ClinVar:

ClinVar aggregate classification (germline): Uncertain significance (1 of 4 stars; one submission).

Conditions:
Familial adenomatous polyposis 1 (FAP1). Also called: FAMILIAL ADENOMATOUS POLYPOSIS 1, ATTENUATED; POLYPOSIS, ADENOMATOUS INTESTINAL. Identifiers: MedGen C2713442, MONDO:0021056, OMIM 175100. Disease mechanism: loss of function.

Submission:

Labcorp Genetics (formerly Invitae), Labcorp
Classification: Uncertain significance for Familial adenomatous polyposis 1. Last evaluated: 2023-11-13. Review status: criteria provided, single submitter. Criteria: Invitae Variant Classification Sherloc (09022015). Collection method: clinical testing. Allele origin: germline.
Comment: This variant occurs in a non-coding region of the APC gene. It does not change the encoded amino acid sequence of the APC protein. This variant is not present in population databases (gnomAD no frequency). This variant has not been reported in the literature in individuals affected with APC-related conditions. Experimental studies and prediction algorithms are not available or were not evaluated, and the functional significance of this variant is currently unknown. In summary, the available evidence is currently insufficient to determine the role of this variant in disease. Therefore, it has been classified as a Variant of Uncertain Significance.

NM_001127511.3(APC):c.115A>T (p.Lys39Ter)

Gene: APC (APC regulator of Wnt signaling pathway; plus strand). Cytogenetic location: 5q22.2.
Variant type: single nucleotide variant.
Coding change: c.115A>T on transcript NM_001127511.3; coding-DNA position 115, A replaced by T.
Protein change: p.Lys39Ter; replaces lysine 39 with a stop codon.
Molecular consequence: nonsense. On other transcripts: 5 prime UTR variant (8), non-coding transcript variant (1), intron variant (5).
Genome position (GRCh38, 1-based): chr5:112,707,832, A>T. VCF-style: chr5-112707832-A-T. GRCh37 (hg19) VCF-style: chr5-112043529-A-T.
Other names: c.-69A>T (NM_001354895.2, NM_001407447.1, NM_001407452.1 and 3 more transcripts); c.115A>T, p.Lys39Ter (NM_001354897.2, NM_001354902.2, NM_001407446.1); c.-1104A>T (NM_001407470.1, NM_001407472.1); c.-19+183A>T (NM_001407448.1, NM_001407450.1, NM_001407457.1 and 1 more transcripts); c.-43+183A>T (NM_001407453.1); short protein forms K39*.
Identifiers: ClinVar variation 2125875 (VCV002125875.4), dbSNP rs2149631161, ClinGen allele CA360612021.